The following is an entry in ClinVar:

NM_003072.5(SMARCA4):c.312_313delinsCT (p.Gly105Trp)

Gene: SMARCA4 (SWI/SNF related BAF chromatin remodeling complex subunit ATPase 4; plus strand). Cytogenetic location: 19p13.2.
Variant type: Indel.
Coding change: c.312_313delinsCT on transcript NM_003072.5 (MANE Select); coding-DNA positions 312 to 313, TG replaced by CT.
Protein change: p.Gly105Trp; replaces glycine 105 with tryptophan.
Molecular consequence: missense variant. On other transcripts: non-coding transcript variant (1).
Genome position (GRCh38, 1-based): chr19:10,985,362-10,985,363, TG replaced by CT. VCF-style: chr19-10985362-TG-CT. GRCh37 (hg19) VCF-style: chr19-11096038-TG-CT.
Other names: c.312_313delinsCT, p.Gly105Trp (NM_001128844.3, NM_001128845.2, NM_001128846.2 and 6 more transcripts); short protein forms G105W.
Identifiers: ClinVar variation 3729440 (VCV003729440.2).
Genomic context (GRCh38, chr19:10,985,362, plus strand): 5'-GTCGGACGACCCGCGCTACAACCAGATGAAAGGAATGGGGATGCGGTCAGGGGGCCATGC[TG>CT]GGATGGGGCCCCCGCCCAGCCCCATGGACCAGCACTCCCAAGGTACAGAACTGCGTTCCT-3'
Protein context (NP_003063.2, residues 95-115): GMGMRSGGHA[Gly105Trp]MGPPPSPMDQ

ClinVar aggregate classification (germline): Uncertain significance (1 of 4 stars; one submission).

Conditions:
Rhabdoid tumor predisposition syndrome 2 (RTPS2). Identifiers: Orphanet 231108, Orphanet 69077, MedGen C2750074, MONDO:0013224, OMIM 613325.

Submission:

Labcorp Genetics (formerly Invitae), Labcorp
Classification: Uncertain significance for Rhabdoid tumor predisposition syndrome 2. Last evaluated: 2025-01-23. Review status: criteria provided, single submitter. Criteria: Invitae Variant Classification Sherloc (09022015). Collection method: clinical testing. Allele origin: germline.
Comment: This sequence change replaces glycine, which is neutral and non-polar, with tryptophan, which is neutral and slightly polar, at codon 105 of the SMARCA4 protein (p.Gly105Trp). Information on the frequency of this variant in the gnomAD database is not available, as this variant may be reported differently in the database. This variant has not been reported in the literature in individuals affected with SMARCA4-related conditions. Experimental studies and prediction algorithms are not available or were not evaluated, and the functional significance of this variant is currently unknown. In summary, the available evidence is currently insufficient to determine the role of this variant in disease. Therefore, it has been classified as a Variant of Uncertain Significance.